The following is an entry in ClinVar:

NM_012144.4(DNAI1):c.1700T>C (p.Ile567Thr)

Gene: DNAI1 (dynein axonemal intermediate chain 1; plus strand). Cytogenetic location: 9p13.3.
Variant type: single nucleotide variant.
Coding change: c.1700T>C on transcript NM_012144.4 (MANE Select); coding-DNA position 1700, T replaced by C.
Protein change: p.Ile567Thr; replaces isoleucine 567 with threonine.
Molecular consequence: missense variant.
Genome position (GRCh38, 1-based): chr9:34,514,524, T>C. VCF-style: chr9-34514524-T-C. GRCh37 (hg19) VCF-style: chr9-34514522-T-C.
Other names: c.1712T>C, p.Ile571Thr (NM_001281428.2); short protein forms I567T, I571T.
Identifiers: ClinVar variation 454831 (VCV000454831.2), dbSNP rs1554691495, ClinGen allele CA373263885.
Genomic context (GRCh38, chr9:34,514,524, plus strand): 5'-CCTGGAACCCATACCACACCAAGGTCTTCATGTCCTGCAGCTCCGACTGGACAGTGAAGA[T>C]CTGGGACCACACCATCAAGTGAGGGGCCTGTTCCTGGCTCTGCCTGGGGCCCTCCCCTGG-3'
Protein context (NP_036276.1, residues 557-577): MSCSSDWTVK[Ile567Thr]WDHTIKTPMF

ClinVar aggregate classification (germline): Uncertain significance (1 of 4 stars; one submission).

Conditions:
Primary ciliary dyskinesia. Also called: Ciliary dyskinesia. Identifiers: Orphanet 244, MedGen C0008780, MONDO:0016575, HP:0012265.

Allele frequency attached by ClinVar (database versions not stated): gnomAD exomes below 0.00001.
gnomAD v4.1: 1 of 1,614,226 alleles (0.000062%); highest among the groups gnomAD compares: Non-Finnish European, 0.000085%; no homozygotes.

Submission:

Labcorp Genetics (formerly Invitae), Labcorp
Classification: Uncertain significance for Primary ciliary dyskinesia. Last evaluated: 2022-07-19. Review status: criteria provided, single submitter. Criteria: Invitae Variant Classification Sherloc (09022015). Collection method: clinical testing. Allele origin: germline.
Comment: This sequence change replaces isoleucine, which is neutral and non-polar, with threonine, which is neutral and polar, at codon 567 of the DNAI1 protein (p.Ile567Thr). This variant is not present in population databases (gnomAD no frequency). This missense change has been observed in individual(s) with clinical features of DNAI1-related conditions (Invitae). ClinVar contains an entry for this variant (Variation ID: 454831). Algorithms developed to predict the effect of missense changes on protein structure and function are either unavailable or do not agree on the potential impact of this missense change (SIFT: "Tolerated"; PolyPhen-2: "Probably Damaging"; Align-GVGD: "Class C0"). In summary, the available evidence is currently insufficient to determine the role of this variant in disease. Therefore, it has been classified as a Variant of Uncertain Significance.